The following is an entry in ClinVar:

ClinVar aggregate classification (germline): Uncertain significance (1 of 4 stars; one submission).

gnomAD v4.1: 2 of 1,591,848 alleles (0.00013%); highest among the groups gnomAD compares: African/African-American, 0.0014%; no homozygotes.

Submission:

GeneDx
Classification: Uncertain significance. Last evaluated: 2026-03-12. Review status: criteria provided, single submitter. Criteria: GeneDx Variant Classification Process June 2021. Collection method: clinical testing. Allele origin: germline.
Comment: In silico analysis suggests that this missense variant does not alter protein structure/function; Has not been previously published as pathogenic or benign to our knowledge

NM_003403.5(YY1):c.178G>A (p.Gly60Ser)

Gene: YY1 (YY1 transcription factor; plus strand). Cytogenetic location: 14q32.2.
Variant type: single nucleotide variant.
Coding change: c.178G>A on transcript NM_003403.5 (MANE Select); coding-DNA position 178, G replaced by A.
Protein change: p.Gly60Ser; replaces glycine 60 with serine.
Molecular consequence: missense variant.
Genome position (GRCh38, 1-based): chr14:100,239,422, G>A. VCF-style: chr14-100239422-G-A. GRCh37 (hg19) VCF-style: chr14-100705759-G-A.
Other names: short protein forms G60S.
Identifiers: ClinVar variation 3900051 (VCV003900051.2).